The following is an entry in ClinVar:

NM_001194998.2(CEP152):c.*255T>C

Gene: CEP152 (centrosomal protein 152; minus strand). Cytogenetic location: 15q21.1.
Variant type: single nucleotide variant.
Coding change: c.*255T>C on transcript NM_001194998.2 (MANE Select); 255 bases downstream of the stop codon, T replaced by C.
Molecular consequence: 3 prime UTR variant.
Genome position (GRCh38, 1-based): chr15:48,737,994, A>G on the plus strand (T>C on the coding strand, the complement: CEP152 is on the minus strand). VCF-style: chr15-48737994-A-G. GRCh37 (hg19) VCF-style: chr15-49030191-A-G.
Other names: c.*255T>C (NM_014985.4).
Identifiers: ClinVar variation 316402 (VCV000316402.5), dbSNP rs187213125, ClinGen allele CA10646207.

ClinVar aggregate classification (germline): Conflicting classifications of pathogenicity. Review status: criteria provided, conflicting classifications (1 of 4 stars). 2 submissions from 1 submitter: Uncertain significance (1); Likely benign (1). Last evaluated 2018-01-12.

Conditions:
Microcephaly 9, primary, autosomal recessive. Identifiers: Orphanet 2512, MedGen C3553886, MONDO:0013923, OMIM 614852.
Seckel syndrome 5 (SCKL5). Identifiers: Orphanet 808, MedGen C3151187, MONDO:0013443, OMIM 613823.

Allele frequency attached by ClinVar (database versions not stated): gnomAD 0.00009 and 0.00015; TOPMed 0.00009; gnomAD exomes 0.00010; 1000 Genomes Project 30x 0.00219; 1000 Genomes Project 0.00240.
gnomAD v4.1: 47 of 406,062 alleles (0.012%); highest among the groups gnomAD compares: East Asian, 0.2%; 1 homozygote.

Submissions (2):

Illumina Laboratory Services, Illumina
Classification: Uncertain significance for Microcephaly 9, primary, autosomal recessive. Last evaluated: 2018-01-12. Review status: criteria provided, single submitter. Criteria: ICSL Variant Classification Criteria 13 December 2019. Collection method: clinical testing. Allele origin: germline.

Illumina Laboratory Services, Illumina
Classification: Likely benign for Seckel syndrome 5. Last evaluated: 2018-01-12. Review status: criteria provided, single submitter. Criteria: ICSL Variant Classification Criteria 13 December 2019. Collection method: clinical testing. Allele origin: germline.
Comment: This variant was observed in the ICSL laboratory as part of a predisposition screen in an ostensibly healthy population. It had not been previously curated by ICSL or reported in the Human Gene Mutation Database (HGMD: prior to June 1st, 2018), and was therefore a candidate for classification through an automated scoring system. Utilizing variant allele frequency, disease prevalence and penetrance estimates, and inheritance mode, an automated score was calculated to assess if this variant is too frequent to cause the disease. Based on the score and internal cut-off values, a variant classified as likely benign is not then subjected to further curation. The score for this variant resulted in a classification of likely benign for this disease.